The following is an entry in ClinVar:

ClinVar aggregate classification (germline): Likely pathogenic (1 of 4 stars; one submission).

Submission:

CeGaT Center for Human Genetics Tuebingen
Classification: Likely pathogenic. Last evaluated: 2023-08-01. Review status: criteria provided, single submitter. Criteria: CeGaT Center For Human Genetics Tuebingen Variant Classification Criteria Version 2. Collection method: clinical testing. Allele origin: germline. Affected: yes. Observed: 1 variant allele.
Comment: RHO: PM1, PM2, PM5, PP2

NM_000539.3(RHO):c.259G>T (p.Val87Phe)

Gene: RHO (rhodopsin; plus strand). Cytogenetic location: 3q22.1.
Variant type: single nucleotide variant.
Coding change: c.259G>T on transcript NM_000539.3 (MANE Select); coding-DNA position 259, G replaced by T.
Protein change: p.Val87Phe; replaces valine 87 with phenylalanine.
Molecular consequence: missense variant.
Genome position (GRCh38, 1-based): chr3:129,528,992, G>T. VCF-style: chr3-129528992-G-T. GRCh37 (hg19) VCF-style: chr3-129247835-G-T.
Other names: short protein forms V87F.
Identifiers: ClinVar variation 2578949 (VCV002578949.25), dbSNP rs2533020015, ClinGen allele CA354496594.
Genomic context (GRCh38, chr3:129,528,992, plus strand): 5'-AAGCTGCGCACGCCTCTCAACTACATCCTGCTCAACCTAGCCGTGGCTGACCTCTTCATG[G>T]TCCTAGGTGGCTTCACCAGCACCCTCTACACCTCTCTGCATGGATACTTCGTCTTCGGGC-3'
Protein context (NP_000530.1, residues 77-97): LNLAVADLFM[Val87Phe]LGGFTSTLYT